The following is an entry in ClinVar:

ClinVar aggregate classification (germline): Conflicting classifications of pathogenicity. Review status: criteria provided, conflicting classifications (1 of 4 stars). 6 submissions from 6 submitters: Uncertain significance (5); Likely benign (1). Last evaluated 2025-12-16.

Conditions:
Autosomal recessive ataxia, Beauce type. Also called: Spinocerebellar ataxia, autosomal recessive 8; ATAXIA, RECESSIVE, OF BEAUCE; SYNE1-Related Autosomal Recessive Cerebellar Ataxia; SYNE1 Deficiency. Identifiers: Orphanet 88644, MedGen C1853116, MONDO:0012549, OMIM 610743.
Emery-Dreifuss muscular dystrophy 4, autosomal dominant (EDMD4). Also called: EMERY-DREIFUSS MUSCULAR DYSTROPHY 4 WITH VARIABLE FEATURES. Identifiers: Orphanet 261, MedGen C2751807, MONDO:0013071, OMIM 612998.

Allele frequency attached by ClinVar (database versions not stated): gnomAD exomes 0.00005; ExAC 0.00007; 1000 Genomes Project 0.00020; gnomAD 0.00023; TOPMed 0.00026; 1000 Genomes Project 30x 0.00031; ESP Exome Variant Server 0.00031.
gnomAD v4.1: 69 of 1,613,978 alleles (0.0043%); highest among the groups gnomAD compares: African/African-American, 0.075%; no homozygotes.

Submissions (6):

Labcorp Genetics (formerly Invitae), Labcorp
Classification: Uncertain significance for Emery-Dreifuss muscular dystrophy 4, autosomal dominant; Autosomal recessive ataxia, Beauce type. Last evaluated: 2025-12-16. Review status: criteria provided, single submitter. Criteria: Invitae Variant Classification Sherloc (09022015). Collection method: clinical testing. Allele origin: germline.
Comment: This sequence change replaces serine, which is neutral and polar, with cysteine, which is neutral and slightly polar, at codon 3133 of the SYNE1 protein (p.Ser3133Cys). This variant is present in population databases (rs139089832, gnomAD 0.08%). This variant has not been reported in the literature in individuals affected with SYNE1-related conditions. ClinVar contains an entry for this variant (Variation ID: 282459). An algorithm developed to predict the effect of missense changes on protein structure and function (PolyPhen-2) suggests that this variant is likely to be disruptive. In summary, the available evidence is currently insufficient to determine the role of this variant in disease. Therefore, it has been classified as a Variant of Uncertain Significance.

Revvity Omics, Revvity
Classification: Likely benign. Last evaluated: 2024-07-02. Review status: criteria provided, single submitter. Criteria: ACMG Guidelines, 2015. Collection method: clinical testing. Allele origin: germline.

Mayo Clinic Laboratories, Mayo Clinic
Classification: Uncertain significance. Last evaluated: 2024-02-02. Review status: criteria provided, single submitter. Criteria: ACMG Guidelines, 2015. Collection method: clinical testing. Allele origin: germline. Observed: 1 variant allele.
Comment: BP4

Athena Diagnostics
Classification: Uncertain significance. Last evaluated: 2023-12-29. Review status: criteria provided, single submitter. Criteria: Athena Diagnostics Criteria. Collection method: clinical testing. Allele origin: unknown.
Comment: Available data are insufficient to determine the clinical significance of the variant at this time. The frequency of this variant in the general population is higher than would generally be expected for pathogenic variants in this gene. Computational tools disagree on the variant's effect on normal protein function.

ARUP Laboratories, Molecular Genetics and Genomics, ARUP Laboratories
Classification: Uncertain significance. Last evaluated: 2017-08-18. Review status: criteria provided, single submitter. Criteria: ARUP Molecular Germline Variant Investigation Process. Collection method: clinical testing. Allele origin: germline.
Comment: The c.9398C>G; p.Ser3133Cys variant (rs139089832) has not been reported in the medical literature, nor has it been previously identified by our laboratory. This variant has been reported to the ClinVar database as a variant of uncertain significance (Variation ID: 282459), and is listed in the Genome Aggregation Database (gnomAD) with an overall population frequency of 0.007 percent (identified on 20 out of 276,970 chromosomes). The serine at position 3133 is weakly conserved considering 12 species (Alamut v2.9.0) and computational analyses of the effects of the p.Ser3133Cys variant on protein structure and function provide conflicting results (SIFT: damaging, MutationTaster: polymorphism, PolyPhen-2: possibly damaging). Altogether, there is not enough evidence to classify the p.Ser3133Cys variant with certainty.

Eurofins Ntd Llc (ga)
Classification: Uncertain significance. Last evaluated: 2015-10-13. Review status: criteria provided, single submitter. Criteria: EGL Classification Definitions 2015. Collection method: clinical testing. Allele origin: germline. Observed: 2 variant alleles, 2 heterozygotes.

NM_182961.4(SYNE1):c.9377C>G (p.Ser3126Cys)

Gene: SYNE1 (spectrin repeat containing nuclear envelope protein 1; minus strand). Cytogenetic location: 6q25.2.
Variant type: single nucleotide variant.
Coding change: c.9377C>G on transcript NM_182961.4 (MANE Select); coding-DNA position 9377, C replaced by G.
Protein change: p.Ser3126Cys; replaces serine 3126 with cysteine.
Molecular consequence: missense variant.
Genome position (GRCh38, 1-based): chr6:152,373,167, G>C on the plus strand (C>G on the coding strand, the complement: SYNE1 is on the minus strand). VCF-style: chr6-152373167-G-C. GRCh37 (hg19) VCF-style: chr6-152694302-G-C.
Other names: c.9398C>G, p.Ser3133Cys (NM_033071.5); short protein forms S3133C, S3126C.
Identifiers: ClinVar variation 282459 (VCV000282459.24), dbSNP rs139089832, ClinGen allele CA4057335.